The following is an entry in ClinVar:

NM_144997.7(FLCN):c.11T>A (p.Ile4Asn)

Gene: FLCN (folliculin; minus strand). Cytogenetic location: 17p11.2.
Variant type: single nucleotide variant.
Coding change: c.11T>A on transcript NM_144997.7 (MANE Select); coding-DNA position 11, T replaced by A.
Protein change: p.Ile4Asn; replaces isoleucine 4 with asparagine.
Molecular consequence: missense variant.
Genome position (GRCh38, 1-based): chr17:17,228,127, A>T on the plus strand (T>A on the coding strand, the complement: FLCN is on the minus strand). VCF-style: chr17-17228127-A-T. GRCh37 (hg19) VCF-style: chr17-17131441-A-T.
Other names: c.11T>A, p.Ile4Asn (NM_001353229.2, NM_001353230.2, NM_001353231.2 and 1 more transcripts); short protein forms I4N.
Identifiers: ClinVar variation 4843154 (VCV004843154.1).
Genomic context (GRCh38, chr17:17,228,127, plus strand): 5'-ACCTCCGTGCAGAAGAGAGTGCGGGGGCCGTGGAGCTCGCAGAAGTGGCAGAGAGCCACG[A>T]TGGCATTCATGGTGCCTTGGAGACTGCAACAGGCCTGCGTGGGACAGGGGACATGTCAGC-3'
Protein context (NP_659434.2, residues 1-14): MNA[Ile4Asn]VALCHFCELH

ClinVar aggregate classification (germline): Uncertain significance (1 of 4 stars; one submission).

Conditions:
Hereditary cancer-predisposing syndrome. Also called: Neoplastic Syndromes, Hereditary; Tumor predisposition; Hereditary Cancer Syndrome; Hereditary neoplastic syndrome. Identifiers: Orphanet 140162, MedGen C0027672, MeSH D009386, MONDO:0015356.

Submission:

Ambry Genetics
Classification: Uncertain significance for Hereditary cancer-predisposing syndrome. Last evaluated: 2025-12-21. Review status: criteria provided, single submitter. Criteria: Ambry Variant Classification Scheme 2023. Collection method: clinical testing. Allele origin: germline.
Comment: The p.I4N variant (also known as c.11T>A), located in coding exon 1 of the FLCN gene, results from a T to A substitution at nucleotide position 11. The isoleucine at codon 4 is replaced by asparagine, an amino acid with dissimilar properties. This amino acid position is conserved. In addition, this alteration is predicted to be deleterious by in silico analysis. Based on the available evidence, the clinical significance of this variant remains unclear.